The following is an entry in ClinVar:

ClinVar aggregate classification (germline): Uncertain significance (1 of 4 stars; one submission).

Conditions:
Myoclonic epilepsy, juvenile, susceptibility to, 1. Also called: Myoclonic Epilepsy, Juvenile, 1; EJM1. Identifiers: MedGen C1850778, MONDO:0020752, OMIM 254770.
Absence seizure. Also called: Absence epilepsy. Identifiers: Orphanet 1941, MedGen C0014553.

Allele frequency attached by ClinVar (database versions not stated): gnomAD exomes below 0.00001; ESP Exome Variant Server 0.00008; 1000 Genomes Project 30x 0.00016; 1000 Genomes Project 0.00020; TOPMed 0.00001; ExAC 0.00002; gnomAD 0.00002 and 0.00005.

Submission:

Labcorp Genetics (formerly Invitae), Labcorp
Classification: Uncertain significance for Myoclonic epilepsy, juvenile, susceptibility to, 1; Absence seizure. Last evaluated: 2018-10-04. Review status: criteria provided, single submitter. Criteria: Invitae Variant Classification Sherloc (09022015). Collection method: clinical testing. Allele origin: germline.
Comment: This sequence change replaces tyrosine with cysteine at codon 102 of the EFHC1 protein (p.Tyr102Cys). The tyrosine residue is highly conserved and there is a large physicochemical difference between tyrosine and cysteine. In summary, the available evidence is currently insufficient to determine the role of this variant in disease. Therefore, it has been classified as a Variant of Uncertain Significance. Algorithms developed to predict the effect of missense changes on protein structure and function (SIFT, PolyPhen-2, Align-GVGD) all suggest that this variant is likely to be disruptive, but these predictions have not been confirmed by published functional studies and their clinical significance is uncertain. This variant has not been reported in the literature in individuals with EFHC1-related disease. This variant is present in population databases (rs368992606, ExAC 0.01%).

NM_018100.4(EFHC1):c.305A>G (p.Tyr102Cys)

Gene: EFHC1 (EF-hand domain containing 1; plus strand). Cytogenetic location: 6p12.2.
Variant type: single nucleotide variant.
Coding change: c.305A>G on transcript NM_018100.4 (MANE Select); coding-DNA position 305, A replaced by G.
Protein change: p.Tyr102Cys; replaces tyrosine 102 with cysteine.
Molecular consequence: missense variant. On other transcripts: non-coding transcript variant (1).
Genome position (GRCh38, 1-based): chr6:52,438,323, A>G. VCF-style: chr6-52438323-A-G. GRCh37 (hg19) VCF-style: chr6-52303121-A-G.
Other names: c.248A>G, p.Tyr83Cys (NM_001172420.2); short protein forms Y83C, Y102C.
Identifiers: ClinVar variation 658244 (VCV000658244.10), dbSNP rs368992606, ClinGen allele CA3855722.